The following is an entry in ClinVar:

ClinVar aggregate classification (germline): Uncertain significance (1 of 4 stars; one submission).

Submission:

GeneDx
Classification: Uncertain significance. Last evaluated: 2024-11-15. Review status: criteria provided, single submitter. Criteria: GeneDx Variant Classification Process June 2021. Collection method: clinical testing. Allele origin: germline. Affected: yes.
Comment: Not observed at significant frequency in large population cohorts (gnomAD); In silico analysis supports that this missense variant has a deleterious effect on protein structure/function; Missense variants in this gene are a common cause of disease and they are underrepresented in the general population; Has not been previously published as pathogenic or benign to our knowledge

NM_006306.4(SMC1A):c.2137A>C (p.Lys713Gln)

Gene: SMC1A (structural maintenance of chromosomes 1A; minus strand). Cytogenetic location: Xp11.22.
Variant type: single nucleotide variant.
Coding change: c.2137A>C on transcript NM_006306.4 (MANE Select); coding-DNA position 2137, A replaced by C.
Protein change: p.Lys713Gln; replaces lysine 713 with glutamine.
Molecular consequence: missense variant.
Genome position (GRCh38, 1-based): chrX:53,405,071, T>G on the plus strand (A>C on the coding strand, the complement: SMC1A is on the minus strand). VCF-style: chrX-53405071-T-G. GRCh37 (hg19) VCF-style: chrX-53432003-T-G.
Other names: c.2071A>C, p.Lys691Gln (NM_001281463.1); short protein forms K691Q, K713Q.
Identifiers: ClinVar variation 3899676 (VCV003899676.1).
Genomic context (GRCh38, chrX:53,405,071, plus strand): 5'-CCTGCAGATTCAGGGCTAGATGTCGTGTCTTGGTCTGTTCTAGGTCACTCTGGGAGTACT[T>G]GAGCCGCATCTGCAGTCCATGGGCCTGAGACTGCACCTGACGCAGCTCTGCCTCTTTCCG-3'
Protein context (NP_006297.2, residues 703-723): SQAHGLQMRL[Lys713Gln]YSQSDLEQTK